The following is an entry in ClinVar:

NM_006953.4(UPK3A):c.858A>G (p.Gln286=)

Gene: UPK3A (uroplakin 3A; plus strand). Cytogenetic location: 22q13.31.
Variant type: single nucleotide variant.
Coding change: c.858A>G on transcript NM_006953.4 (MANE Select); coding-DNA position 858, A replaced by G.
Protein change: p.Gln286=; no amino-acid change (glutamine 286 retained).
Molecular consequence: synonymous variant.
Genome position (GRCh38, 1-based): chr22:45,295,713, A>G. VCF-style: chr22-45295713-A-G. GRCh37 (hg19) VCF-style: chr22-45691594-A-G.
Other names: c.495A>G, p.Gln165= (NM_001167574.2).
Identifiers: ClinVar variation 341987 (VCV000341987.9), dbSNP rs1057356, ClinGen allele CA10284562.

ClinVar aggregate classification (germline): Benign. Review status: criteria provided, multiple submitters, no conflicts (2 of 4 stars). 4 submissions from 4 submitters: Benign (4). Last evaluated 2024-11-28.

Conditions:
Renal hypodysplasia/aplasia 1 (RHDA1). Also called: RENAL APLASIA; HEREDITARY RENAL APLASIA. Identifiers: Orphanet 411709, MedGen C1619700, MONDO:0024519, OMIM 191830.

Allele frequency attached by ClinVar (database versions not stated): ESP Exome Variant Server 0.50023; gnomAD 0.50960 and 0.51103; TOPMed 0.53137; 1000 Genomes Project 0.62819; 1000 Genomes Project 30x 0.62976; gnomAD exomes 0.38026 and 0.45397; ExAC 0.46209.
gnomAD v4.1: 636,049 of 1,613,412 alleles (39%); highest among the groups gnomAD compares: African/African-American, 82%; 138,470 homozygotes.

Submissions (4):

Blueprint Genetics
Classification: Benign. Last evaluated: 2024-11-28. Review status: criteria provided, single submitter. Criteria: ACMG Guidelines, 2015. Collection method: clinical testing. Allele origin: germline.

GeneDx
Classification: Benign. Last evaluated: 2018-11-12. Review status: criteria provided, single submitter. Criteria: GeneDx Variant Classification Process June 2021. Collection method: clinical testing. Allele origin: germline. Affected: yes.

Illumina Laboratory Services, Illumina
Classification: Benign for Renal hypodysplasia/aplasia 1. Last evaluated: 2018-01-13. Review status: criteria provided, single submitter. Criteria: ICSL Variant Classification Criteria 13 December 2019. Collection method: clinical testing. Allele origin: germline.
Comment: This variant was observed in the ICSL laboratory as part of a predisposition screen in an ostensibly healthy population. It had not been previously curated by ICSL or reported in the Human Gene Mutation Database (HGMD: prior to June 1st, 2018), and was therefore a candidate for classification through an automated scoring system. Utilizing variant allele frequency, disease prevalence and penetrance estimates, and inheritance mode, an automated score was calculated to assess if this variant is too frequent to cause the disease. Based on the score and internal cut-off values, a variant classified as benign is not then subjected to further curation. The score for this variant resulted in a classification of benign for this disease.

Breakthrough Genomics
Classification: Benign. Review status: criteria provided, single submitter. Criteria: ACMG Guidelines, 2015. Collection method: not provided. Allele origin: germline. Inheritance: Unknown mechanism. Affected: yes.